The following is an entry in ClinVar:

NM_002055.5(GFAP):c.976G>C (p.Glu326Gln)

Gene: GFAP (glial fibrillary acidic protein; minus strand). Cytogenetic location: 17q21.31.
Variant type: single nucleotide variant.
Coding change: c.976G>C on transcript NM_002055.5 (MANE Select); coding-DNA position 976, G replaced by C.
Protein change: p.Glu326Gln; replaces glutamic acid 326 with glutamine.
Molecular consequence: missense variant.
Genome position (GRCh38, 1-based): chr17:44,911,387, C>G on the plus strand (G>C on the coding strand, the complement: GFAP is on the minus strand). VCF-style: chr17-44911387-C-G. GRCh37 (hg19) VCF-style: chr17-42988755-C-G.
Other names: c.976G>C, p.Glu326Gln (NM_001131019.3, NM_001242376.3, NM_001363846.2); short protein forms E326Q.
Identifiers: ClinVar variation 4819937 (VCV004819937.1).
Genomic context (GRCh38, chr17:44,911,387, plus strand): 5'-AGTGGCGGGCCATCTCGTCCTTGAGGCTCTGCCCCTCTTCCTCCAGCCGCGCCAGCGCCT[C>G]CTGATAACTGGCCGCCTCCCGCACGTGCCGCTCCTCCTGCTCGCGCATCTGCCTCTCCAG-3'
Protein context (NP_002046.1, residues 316-336): RHVREAASYQ[Glu326Gln]ALARLEEEGQ

ClinVar aggregate classification (germline): Likely benign (1 of 4 stars; one submission).

Conditions:
Alexander disease (ALXDRD). Also called: Alexander's disease. Identifiers: Orphanet 58, MedGen C0270726, MONDO:0008752, OMIM 203450.

gnomAD v4.1: 2 of 1,614,056 alleles (0.00012%); highest among the groups gnomAD compares: South Asian, 0.0011%; no homozygotes.

Submission:

Centre for Medical Genetics,  Mumbai
Classification: Likely benign for Alexander disease. Last evaluated: 2026-03-09. Review status: criteria provided, single submitter. Criteria: ACMG Guidelines, 2015. Collection method: provider interpretation. Allele origin: germline. Inheritance: Autosomal dominant inheritance. Affected: no. Observed: 1 variant allele, 1 heterozygote.
Comment: The variant satisfies PM2 criteria; Extremely low frequency in gnomAD population databases. The variant satisfies PM1 criteria; Non-truncating non-synonymous variant is located in a mutational hot spot and/or critical and well-established functional domain. The variant satisfies PP2 criteria; Missense variant in a gene with low rate of benign missense mutations and for which missense mutation is a common mechanism of a disease. However, the variant satisfies BS2 criteria.

Literature cited by the submitters: PubMed 11138011.